The following is an entry in ClinVar:

NM_004304.5(ALK):c.2077C>A (p.Pro693Thr)

Gene: ALK (ALK receptor tyrosine kinase; minus strand). Cytogenetic location: 2p23.2.
Variant type: single nucleotide variant.
Coding change: c.2077C>A on transcript NM_004304.5 (MANE Select); coding-DNA position 2077, C replaced by A.
Protein change: p.Pro693Thr; replaces proline 693 with threonine.
Molecular consequence: missense variant.
Genome position (GRCh38, 1-based): chr2:29,251,232, G>T on the plus strand (C>A on the coding strand, the complement: ALK is on the minus strand). VCF-style: chr2-29251232-G-T. GRCh37 (hg19) VCF-style: chr2-29474098-G-T.
Other names: short protein forms P693T.
Identifiers: ClinVar variation 1041822 (VCV001041822.8), dbSNP rs1026390293, ClinGen allele CA44650458.
Genomic context (GRCh38, chr2:29,251,232, plus strand): 5'-CCACGCTCAGGTTGGAGTTCTGGTAGGCGTTGTTGCACTGTGCCTGGGTGGGGCCATGGG[G>T]CCCGCTGGCCCCACATGTGGTGAACAGCCAATGAACTGTGGCACAAGAGGAGAGGCAGTC-3'
Protein context (NP_004295.2, residues 683-703): WLFTTCGASG[Pro693Thr]HGPTQAQCNN

ClinVar aggregate classification (germline): Uncertain significance (1 of 4 stars; one submission).

Conditions:
Neuroblastoma, susceptibility to, 3. Also called: ALK-Related Neuroblastic Tumor Susceptibility. Identifiers: Orphanet 635, MedGen C2751681, MONDO:0013083, OMIM 613014.

Allele frequency attached by ClinVar (database versions not stated): TOPMed below 0.00001; gnomAD 0.00001.
gnomAD v4.1: 1 of 1,613,846 alleles (0.000062%); highest among the groups gnomAD compares: Non-Finnish European, 0.000085%; no homozygotes.

Submission:

Labcorp Genetics (formerly Invitae), Labcorp
Classification: Uncertain significance for Neuroblastoma, susceptibility to, 3. Last evaluated: 2020-11-10. Review status: criteria provided, single submitter. Criteria: Invitae Variant Classification Sherloc (09022015). Collection method: clinical testing. Allele origin: germline.
Comment: In summary, the available evidence is currently insufficient to determine the role of this variant in disease. Therefore, it has been classified as a Variant of Uncertain Significance. Algorithms developed to predict the effect of missense changes on protein structure and function are either unavailable or do not agree on the potential impact of this missense change (SIFT: "Deleterious"; PolyPhen-2: "Possibly Damaging"; Align-GVGD: "Class C0"). This variant has not been reported in the literature in individuals with ALK-related conditions. This variant is not present in population databases (ExAC no frequency). This sequence change replaces proline with threonine at codon 693 of the ALK protein (p.Pro693Thr). The proline residue is highly conserved and there is a small physicochemical difference between proline and threonine.